The following is an entry in ClinVar:

ClinVar aggregate classification (germline): Uncertain significance (1 of 4 stars; one submission).

Conditions:
Inborn genetic diseases. Identifiers: MedGen C0950123, MeSH D030342.

Submission:

Ambry Genetics
Classification: Uncertain significance for Inborn genetic diseases. Last evaluated: 2021-09-29. Review status: criteria provided, single submitter. Criteria: Ambry Variant Classification Scheme 2023. Collection method: clinical testing. Allele origin: germline.
Comment: The p.M266L variant (also known as c.796A>C), located in coding exon 7 of the BUB1B gene, results from an A to C substitution at nucleotide position 796. The methionine at codon 266 is replaced by leucine, an amino acid with highly similar properties. This amino acid position is conserved. In addition, this alteration is predicted to be tolerated by in silico analysis. Since supporting evidence is limited at this time, the clinical significance of this alteration remains unclear.

NM_001211.6(BUB1B):c.796A>C (p.Met266Leu)

Gene: BUB1B (BUB1 mitotic checkpoint serine/threonine kinase B; plus strand). Cytogenetic location: 15q15.1.
Variant type: single nucleotide variant.
Coding change: c.796A>C on transcript NM_001211.6 (MANE Select); coding-DNA position 796, A replaced by C.
Protein change: p.Met266Leu; replaces methionine 266 with leucine.
Molecular consequence: missense variant.
Genome position (GRCh38, 1-based): chr15:40,185,209, A>C. VCF-style: chr15-40185209-A-C. GRCh37 (hg19) VCF-style: chr15-40477410-A-C.
Other names: short protein forms M266L.
Identifiers: ClinVar variation 1761416 (VCV001761416.2), dbSNP rs2542535351, ClinGen allele CA391684004.